The following is an entry in ClinVar:

ClinVar aggregate classification (germline): Uncertain significance. Review status: criteria provided, multiple submitters, no conflicts (2 of 4 stars). 2 submissions from 2 submitters: Uncertain significance (2). Last evaluated 2024-11-04.

Conditions:
Hereditary cancer-predisposing syndrome. Also called: Neoplastic Syndromes, Hereditary; Hereditary neoplastic syndrome; Tumor predisposition; Hereditary Cancer Syndrome. Identifiers: Orphanet 140162, MedGen C0027672, MeSH D009386, MONDO:0015356.
POLD1-related polyposis and colorectal cancer syndrome (CRCS10). Also called: Colorectal cancer 10; COLORECTAL CANCER, SUSCEPTIBILITY TO, ON CHROMOSOME 19q; Colorectal cancer, susceptibility to, 10. Identifiers: Orphanet 220460, MedGen C2675481, MONDO:0012953, OMIM 612591.

Submissions (2):

Labcorp Genetics (formerly Invitae), Labcorp
Classification: Uncertain significance for POLD1-related polyposis and colorectal cancer syndrome. Last evaluated: 2024-11-04. Review status: criteria provided, single submitter. Criteria: Invitae Variant Classification Sherloc (09022015). Collection method: clinical testing. Allele origin: germline.
Comment: This sequence change creates a premature translational stop signal (p.Lys897Profs*54) in the POLD1 gene. Missense variants that disrupt the 3'-5' exonuclease (proof-reading) activity of the POLD1 protein are associated with PPAP (polymerase proofreading–associated polyposis) (PMID: 23263490, 23447401). However, loss-of-function variants that result in an absent or severely disrupted POLD1 protein, and missense variants outside the exonuclease domain, are unlikely to be associated with PPAP. This variant is present in population databases (rs755492646, gnomAD 0.007%). This variant has not been reported in the literature in individuals affected with POLD1-related conditions. ClinVar contains an entry for this variant (Variation ID: 469285). In summary, the available evidence is currently insufficient to determine the role of this variant in disease. Therefore, it has been classified as a Variant of Uncertain Significance.

Ambry Genetics
Classification: Uncertain significance for Hereditary cancer-predisposing syndrome. Last evaluated: 2017-01-20. Review status: criteria provided, single submitter. Criteria: Ambry Variant Classification Scheme 2023. Collection method: clinical testing. Allele origin: germline.
Comment: The c.2689_2696delAAGCAGGC variant, located in coding exon 20 of the POLD1 gene, results from a deletion of 8 nucleotides at nucleotide positions 2689 to 2696, causing a translational frameshift with a predicted alternate stop codon (p.K897Pfs*54). This alteration is expected to result in loss of function by premature protein truncation or nonsense-mediated mRNA decay. However, loss of function of POLD1 has not been clearly established as a mechanism of disease. Since supporting evidence is limited at this time, the clinical significance of this alteration remains unclear.

Literature cited by the submitters: PubMed 23263490 (cited by Labcorp Genetics (formerly Invitae), Labcorp); PubMed 23447401 (cited by Labcorp Genetics (formerly Invitae), Labcorp).

NM_002691.4(POLD1):c.2689_2696del (p.Lys897fs)

Gene: POLD1 (DNA polymerase delta 1, catalytic subunit; plus strand). Cytogenetic location: 19q13.33.
Variant type: Deletion.
Coding change: c.2689_2696del on transcript NM_002691.4 (MANE Select); coding-DNA positions 2689 to 2696, 8 bases deleted (AAGCAGGC; older notation c.2689_2696delAAGCAGGC).
Protein change: p.Lys897fs; shifts the reading frame from lysine 897.
Molecular consequence: frameshift variant. On other transcripts: non-coding transcript variant (1).
Genome position (GRCh38, 1-based): chr19:50,415,562-50,415,569, AAGCAGGC deleted; deleting any 8 consecutive bases within chr19:50,415,559-50,415,569 gives the same sequence; the c. name uses the placement nearest the transcript's 3' end. VCF-style (leftmost placement, unchanged base first): chr19-50415558-CGGCAAGCA-C. GRCh37 (hg19) VCF-style: chr19-50918815-CGGCAAGCA-C.
Other names: c.2689_2696del, p.Lys897fs (NM_001256849.1); c.2767_2774del, p.Lys923fs (NM_001308632.1); short protein forms K897fs, K923fs.
Identifiers: ClinVar variation 469285 (VCV000469285.11), dbSNP rs755492646, ClinGen allele CA9596608.
Genomic context (GRCh38, chr19:50,415,558, plus strand): 5'-CATCGATATCTCCCAGCTGGTCATCACCAAGGAGCTGACCCGCGCGGCCTCCGACTATGC[CGGCAAGCA>C]GGCCCACGTGGAGCTGGCCGAGAGGTCCTGCGCGGGGCGGGTGGCCTGGCCAGAAATAAC-3'